The following is an entry in ClinVar:

NM_003239.5(TGFB3):c.1080+66A>G

Gene: TGFB3 (transforming growth factor beta 3; minus strand). Cytogenetic location: 14q24.3.
Variant type: single nucleotide variant.
Coding change: c.1080+66A>G on transcript NM_003239.5 (MANE Select); 66 bases into the intron after coding-DNA position 1080, A replaced by G.
Molecular consequence: intron variant.
Genome position (GRCh38, 1-based): chr14:75,960,857, T>C on the plus strand (A>G on the coding strand, the complement: TGFB3 is on the minus strand). VCF-style: chr14-75960857-T-C. GRCh37 (hg19) VCF-style: chr14-76427200-T-C.
Other names: c.1080+66A>G (NM_001329939.2).
Identifiers: ClinVar variation 4855419 (VCV004855419.1).

ClinVar aggregate classification (germline): Uncertain significance (1 of 4 stars; one submission).

Conditions:
Rienhoff syndrome. Also called: LOEYS-DIETZ SYNDROME 5. Identifiers: MedGen C3810012, MONDO:0014262, OMIM 615582.

Submission:

3billion
Classification: Uncertain significance for Rienhoff syndrome. Last evaluated: 2025-07-03. Review status: criteria provided, single submitter. Criteria: ACMG Guidelines, 2015. Collection method: clinical testing. Allele origin: germline. Affected: yes.
Comment: The variant is not observed in the gnomAD v4.1.0 dataset. Predicted Consequence/Location: Intron variant In silico tools predict the variant to alter splicing and produce an abnormal transcript [SpliceAI: 0.63 (>=0.2, moderate evidence for spliceogenicity)]. Therefore, this variant is classified as VUS according to the recommendation of ACMG/AMP guideline.